The following is an entry in ClinVar:

ClinVar aggregate classification (germline): Uncertain significance. Review status: criteria provided, multiple submitters, no conflicts (2 of 4 stars). 2 submissions from 2 submitters: Uncertain significance (2). Last evaluated 2023-09-05.

Conditions:
Developmental and epileptic encephalopathy, 11 (DEE11). Also called: Early infantile epileptic encephalopathy 11. Identifiers: Orphanet 1934, MedGen C3150987, MONDO:0013388, OMIM 613721.
Seizures, benign familial infantile, 3 (BFIS3). Also called: Familial neonatal seizures; CONVULSIONS, BENIGN FAMILIAL INFANTILE, 3. Identifiers: Orphanet 140927, Orphanet 306, MedGen C1843140, MONDO:0011904, OMIM 607745.

Allele frequency attached by ClinVar (database versions not stated): TOPMed 0.00002.

Submissions (2):

GeneDx
Classification: Uncertain significance. Last evaluated: 2023-09-05. Review status: criteria provided, single submitter. Criteria: GeneDx Variant Classification Process June 2021. Collection method: clinical testing. Allele origin: germline. Affected: yes.
Comment: Not observed at significant frequency in large population cohorts (gnomAD); Missense variants in this gene are often considered pathogenic (HGMD); In silico analysis supports that this missense variant does not alter protein structure/function; Has not been previously published as pathogenic or benign to our knowledge; This substitution is predicted to be within the extracellular loop between the S3 and S4 transmembrane segments of the fourth homologous domain

Labcorp Genetics (formerly Invitae), Labcorp
Classification: Uncertain significance for Seizures, benign familial infantile, 3; Developmental and epileptic encephalopathy, 11. Last evaluated: 2023-04-26. Review status: criteria provided, single submitter. Criteria: Invitae Variant Classification Sherloc (09022015). Collection method: clinical testing. Allele origin: germline.
Comment: In summary, the available evidence is currently insufficient to determine the role of this variant in disease. Therefore, it has been classified as a Variant of Uncertain Significance. Advanced modeling of protein sequence and biophysical properties (such as structural, functional, and spatial information, amino acid conservation, physicochemical variation, residue mobility, and thermodynamic stability) performed at Invitae indicates that this missense variant is not expected to disrupt SCN2A protein function. This variant has not been reported in the literature in individuals affected with SCN2A-related conditions. This variant is not present in population databases (gnomAD no frequency). This sequence change replaces leucine, which is neutral and non-polar, with methionine, which is neutral and non-polar, at codon 1614 of the SCN2A protein (p.Leu1614Met).

NM_001040142.2(SCN2A):c.4840C>A (p.Leu1614Met)

Gene: SCN2A (sodium voltage-gated channel alpha subunit 2; plus strand). Cytogenetic location: 2q24.3.
Variant type: single nucleotide variant.
Coding change: c.4840C>A on transcript NM_001040142.2 (MANE Select); coding-DNA position 4840, C replaced by A.
Protein change: p.Leu1614Met; replaces leucine 1614 with methionine.
Molecular consequence: missense variant.
Genome position (GRCh38, 1-based): chr2:165,388,646, C>A. VCF-style: chr2-165388646-C-A. GRCh37 (hg19) VCF-style: chr2-166245156-C-A.
Other names: c.4840C>A (NM_021007.2); c.4840C>A, p.Leu1614Met (NM_001040143.2, NM_001371246.1, NM_001371247.1 and 1 more transcripts); short protein forms L1614M.
Identifiers: ClinVar variation 2950858 (VCV002950858.4), dbSNP rs1249465021, ClinGen allele CA349037547.